The following is an entry in ClinVar:

NM_001197104.2(KMT2A):c.4132A>G (p.Asn1378Asp)

Gene: KMT2A (lysine methyltransferase 2A; plus strand). Cytogenetic location: 11q23.3.
Variant type: single nucleotide variant.
Coding change: c.4132A>G on transcript NM_001197104.2 (MANE Select); coding-DNA position 4132, A replaced by G.
Protein change: p.Asn1378Asp; replaces asparagine 1378 with aspartic acid.
Molecular consequence: missense variant.
Genome position (GRCh38, 1-based): chr11:118,484,228, A>G. VCF-style: chr11-118484228-A-G. GRCh37 (hg19) VCF-style: chr11-118354943-A-G.
Other names: c.4231A>G, p.Asn1411Asp (NM_001412597.1); c.4132A>G, p.Asn1378Asp (NM_005933.4); short protein forms N1378D, N1411D.
Identifiers: ClinVar variation 2444845 (VCV002444845.2), dbSNP rs2496880323, ClinGen allele CA382830067.

ClinVar aggregate classification (germline): Uncertain significance (1 of 4 stars; one submission).

Submission:

GeneDx
Classification: Uncertain significance. Last evaluated: 2025-07-23. Review status: criteria provided, single submitter. Criteria: GeneDx Variant Classification Process June 2021. Collection method: clinical testing. Allele origin: germline.
Comment: Not observed at significant frequency in large population cohorts (gnomAD); In silico analysis supports that this missense variant has a deleterious effect on protein structure/function; Has not been previously published as pathogenic or benign to our knowledge